The following is an entry in ClinVar:

ClinVar aggregate classification (germline): Uncertain significance (1 of 4 stars; one submission).

Conditions:
Inborn genetic diseases. Identifiers: MedGen C0950123, MeSH D030342.

Submission:

Ambry Genetics
Classification: Uncertain significance for Inborn genetic diseases. Last evaluated: 2026-06-12. Review status: criteria provided, single submitter. Criteria: Ambry Variant Classification Scheme 2023. Collection method: clinical testing. Allele origin: germline.
Comment: The p.Q163R variant (also known as c.488A>G), located in coding exon 3 of the HAX1 gene, results from an A to G substitution at nucleotide position 488. The glutamine at codon 163 is replaced by arginine, an amino acid with highly similar properties. This amino acid position is conserved. In addition, this alteration is predicted to be tolerated by in silico analysis. Based on the available evidence, the clinical significance of this variant remains unclear.

NM_006118.4(HAX1):c.488A>G (p.Gln163Arg)

Gene: HAX1 (HCLS1 associated protein X-1; plus strand). Cytogenetic location: 1q21.3.
Variant type: single nucleotide variant.
Coding change: c.488A>G on transcript NM_006118.4 (MANE Select); coding-DNA position 488, A replaced by G.
Protein change: p.Gln163Arg; replaces glutamine 163 with arginine.
Molecular consequence: missense variant.
Genome position (GRCh38, 1-based): chr1:154,273,945, A>G. VCF-style: chr1-154273945-A-G. GRCh37 (hg19) VCF-style: chr1-154246421-A-G.
Other names: c.344A>G, p.Gln115Arg (NM_001018837.2); short protein forms Q115R, Q163R.
Identifiers: ClinVar variation 4858291 (VCV004858291.1).